The following is an entry in ClinVar:

NM_001408.3(CELSR2):c.7788C>T (p.Thr2596=)

Gene: CELSR2 (cadherin EGF LAG seven-pass G-type receptor 2; plus strand). Cytogenetic location: 1p13.3.
Variant type: single nucleotide variant.
Coding change: c.7788C>T on transcript NM_001408.3 (MANE Select); coding-DNA position 7788, C replaced by T.
Protein change: p.Thr2596=; no amino-acid change (threonine 2596 retained).
Molecular consequence: synonymous variant.
Genome position (GRCh38, 1-based): chr1:109,271,497, C>T. VCF-style: chr1-109271497-C-T. GRCh37 (hg19) VCF-style: chr1-109814119-C-T.
Identifiers: ClinVar variation 3041836 (VCV003041836.2), dbSNP rs199953383, ClinGen allele CA988361.

ClinVar aggregate classification (germline): Likely benign (0 of 4 stars; one submission).

Conditions:
CELSR2-related disorder. Also called: CELSR2-related condition.

gnomAD v4.1: 51 of 1,614,084 alleles (0.0032%); highest among the groups gnomAD compares: Middle Eastern, 0.082%; no homozygotes.

Submission:

PreventionGenetics, part of Exact Sciences
Classification: Likely benign for CELSR2-related condition. Last evaluated: 2019-05-14. Review status: no assertion criteria provided. Collection method: clinical testing. Allele origin: germline.
Comment: This variant is classified as likely benign based on ACMG/AMP sequence variant interpretation guidelines (Richards et al. 2015 PMID: 25741868, with internal and published modifications).